The following is an entry in ClinVar:

ClinVar aggregate classification (germline): Pathogenic (1 of 4 stars; one submission).

Submission:

CeGaT Center for Human Genetics Tuebingen
Classification: Pathogenic. Last evaluated: 2025-02-01. Review status: criteria provided, single submitter. Criteria: CeGaT Center For Human Genetics Tuebingen Variant Classification Criteria Version 2. Collection method: clinical testing. Allele origin: germline. Affected: yes. Observed: 1 variant allele.
Comment: DSP: PVS1, PM2

NM_004415.4(DSP):c.3186dup (p.Gln1063fs)

Gene: DSP (desmoplakin; plus strand). Cytogenetic location: 6p24.3.
Variant type: Duplication.
Coding change: c.3186dup on transcript NM_004415.4 (MANE Select); coding-DNA position 3186, one base duplicated (G; older notation c.3186dupG).
Protein change: p.Gln1063fs; shifts the reading frame from glutamine 1063.
Molecular consequence: frameshift variant.
Genome position (GRCh38, 1-based): chr6:7,579,376, G duplicated. VCF-style (leftmost placement, unchanged base first): chr6-7579375-T-TG. GRCh37 (hg19) VCF-style: chr6-7579608-T-TG.
Other names: c.3186dup, p.Gln1063fs (NM_001008844.3, NM_001319034.2); short protein forms Q1063fs.
Identifiers: ClinVar variation 3772593 (VCV003772593.13).